The following is an entry in ClinVar:

NM_001039660.2(IL18BP):c.542A>C (p.Glu181Ala)

Gene: IL18BP (interleukin 18 binding protein; plus strand). Cytogenetic location: 11q13.4.
Variant type: single nucleotide variant.
Coding change: c.542A>C on transcript NM_001039660.2 (MANE Select); coding-DNA position 542, A replaced by C.
Protein change: p.Glu181Ala; replaces glutamic acid 181 with alanine.
Molecular consequence: missense variant. On other transcripts: 3 prime UTR variant (1).
Genome position (GRCh38, 1-based): chr11:72,001,818, A>C. VCF-style: chr11-72001818-A-C. GRCh37 (hg19) VCF-style: chr11-71712864-A-C.
Other names: c.542A>C, p.Glu181Ala (NM_001039659.2, NM_001145057.1, NM_173042.2); c.270A>C, p.Arg90Ser (NM_001145055.1); c.*173A>C (NM_005699.3); c.414A>C, p.Arg138Ser (NM_173044.3); short protein forms E181A, R138S, R90S.
Identifiers: ClinVar variation 2815624 (VCV002815624.3), dbSNP rs2495876750, ClinGen allele CA381725491.

ClinVar aggregate classification (germline): Uncertain significance (1 of 4 stars; one submission).

Submission:

Labcorp Genetics (formerly Invitae), Labcorp
Classification: Uncertain significance. Last evaluated: 2024-10-07. Review status: criteria provided, single submitter. Criteria: Invitae Variant Classification Sherloc (09022015). Collection method: clinical testing. Allele origin: germline.
Comment: This sequence change replaces glutamic acid, which is acidic and polar, with alanine, which is neutral and non-polar, at codon 181 of the IL18BP protein (p.Glu181Ala). This variant is not present in population databases (gnomAD no frequency). This variant has not been reported in the literature in individuals affected with IL18BP-related conditions. An algorithm developed to predict the effect of missense changes on protein structure and function (PolyPhen-2) suggests that this variant is likely to be tolerated. In summary, the available evidence is currently insufficient to determine the role of this variant in disease. Therefore, it has been classified as a Variant of Uncertain Significance.